The following is an entry in ClinVar:

ClinVar aggregate classification (germline): Benign. Review status: criteria provided, multiple submitters, no conflicts (2 of 4 stars). 3 submissions from 3 submitters: Benign (3). Last evaluated 2026-01-28.

Conditions:
Methylmalonic acidemia with homocystinuria, type cblJ (MAHCJ). Also called: METHYLMALONIC ACIDURIA AND HOMOCYSTINURIA, cblJ TYPE. Identifiers: Orphanet 369955, MedGen C3553915, MONDO:0013925, OMIM 614857.

Allele frequency attached by ClinVar (database versions not stated): TOPMed 0.00629; 1000 Genomes Project 0.00679; ESP Exome Variant Server 0.00715; 1000 Genomes Project 30x 0.00734.
gnomAD v4.1: 1,686 of 1,614,164 alleles (0.1%); highest among the groups gnomAD compares: African/African-American, 2%; 14 homozygotes.

Submissions (3):

Labcorp Genetics (formerly Invitae), Labcorp
Classification: Benign for Methylmalonic acidemia with homocystinuria, type cblJ. Last evaluated: 2026-01-28. Review status: criteria provided, single submitter. Criteria: Invitae Variant Classification Sherloc (09022015). Collection method: clinical testing. Allele origin: germline.

Mayo Clinic Laboratories, Mayo Clinic
Classification: Benign. Last evaluated: 2024-12-31. Review status: criteria provided, single submitter. Criteria: ACMG Guidelines, 2015. Collection method: clinical testing. Allele origin: germline. Observed: 1 variant allele.
Comment: BA1

GeneDx
Classification: Benign. Last evaluated: 2017-03-02. Review status: criteria provided, single submitter. Criteria: GeneDx Variant Classification (06012015). Collection method: clinical testing. Allele origin: germline. Affected: yes.
Comment: This variant is considered likely benign or benign based on one or more of the following criteria: it is a conservative change, it occurs at a poorly conserved position in the protein, it is predicted to be benign by multiple in silico algorithms, and/or has population frequency not consistent with disease.

NM_005050.4(ABCD4):c.669-6G>T

Gene: ABCD4 (ATP binding cassette subfamily D member 4; minus strand). Cytogenetic location: 14q24.3.
Variant type: single nucleotide variant.
Coding change: c.669-6G>T on transcript NM_005050.4 (MANE Select); 6 bases into the intron before coding-DNA position 669, G replaced by T.
Molecular consequence: intron variant.
Genome position (GRCh38, 1-based): chr14:74,295,204, C>A on the plus strand (G>T on the coding strand, the complement: ABCD4 is on the minus strand). VCF-style: chr14-74295204-C-A. GRCh37 (hg19) VCF-style: chr14-74761907-C-A.
Other names: p.?; c.-26-6G>T (NM_001353607.2, NM_001353604.2, NM_001353603.2 and 6 more transcripts); c.192-6G>T (NM_001353598.2, NM_001353601.2, NM_001353600.2 and 2 more transcripts); c.407+650G>T (NM_001353594.2); c.408-6G>T (NM_001353593.2); c.254+650G>T (NM_001353597.2); c.255-6G>T (NM_001353596.2, NM_001353595.2); c.543-6G>T (NM_001353591.2, NM_001353592.2); and 1 more.
Identifiers: ClinVar variation 382024 (VCV000382024.13), dbSNP rs115029507, ClinGen allele CA7267111.
Genomic context (GRCh38, chr14:74,295,204, plus strand): 5'-TCACCTGTAGAAAGCAGCAGGCTCCGCATTCACCCGAATCTGCATGTGCTTGAACCTGGG[C>A]GGACCAAAGGGAAATGTGTGCTGACAACAGGGAGTACTGGCCTCACTCTTGTTGGAGTCC-3'